The following is an entry in ClinVar:

ClinVar aggregate classification (germline): Conflicting classifications of pathogenicity. Review status: criteria provided, conflicting classifications (1 of 4 stars). 3 submissions from 3 submitters: Uncertain significance (2); Likely benign (1). Last evaluated 2025-10-22.

Conditions:
Autosomal recessive nonsyndromic hearing loss 59. Identifiers: Orphanet 90636, MedGen C1857744, MONDO:0012445, OMIM 610220.

Allele frequency attached by ClinVar (database versions not stated): ExAC 0.00003; gnomAD 0.00003; TOPMed 0.00004; gnomAD exomes 0.00005; ESP Exome Variant Server 0.00009.
gnomAD v4.1: 56 of 1,603,190 alleles (0.0035%); highest among the groups gnomAD compares: Middle Eastern, 0.036%; no homozygotes.

Submissions (3):

Labcorp Genetics (formerly Invitae), Labcorp
Classification: Likely benign. Last evaluated: 2025-10-22. Review status: criteria provided, single submitter. Criteria: Invitae Variant Classification Sherloc (09022015). Collection method: clinical testing. Allele origin: germline.

Illumina Laboratory Services, Illumina
Classification: Uncertain significance for Autosomal recessive nonsyndromic hearing loss 59. Last evaluated: 2018-01-12. Review status: criteria provided, single submitter. Criteria: ICSL Variant Classification Criteria 13 December 2019. Collection method: clinical testing. Allele origin: germline.

Laboratory for Molecular Medicine, Mass General Brigham Personalized Medicine
Classification: Uncertain significance. Last evaluated: 2013-11-19. Review status: criteria provided, single submitter. Criteria: LMM Criteria. Collection method: clinical testing. Allele origin: germline. Observed: 1 variant allele.
Comment: The 212-12C>A variant in DFNB59 has not been previously reported in individuals with hearing loss, but has been identified in 1/8132 (0.01%) European American c hromosomes by the NHLBI Exome Sequencing Project (VS/; dbSNP rs199967536). Although this variant has been seen in the general popu lation, its frequency is not high enough to rule out a pathogenic role. This var iant is located in the 3' splice region. Computational tools do not suggest an i mpact to splicing; however, this information is not predictive enough to rule ou t pathogenicity. In summary, additional data is needed to determine the clinical significance of this variant.

NM_001042702.5(PJVK):c.212-12C>A

Gene: PJVK (pejvakin; plus strand). Cytogenetic location: 2q31.2.
Variant type: single nucleotide variant.
Coding change: c.212-12C>A on transcript NM_001042702.5 (MANE Select); 12 bases into the intron before coding-DNA position 212, C replaced by A.
Molecular consequence: intron variant.
Genome position (GRCh38, 1-based): chr2:178,454,320, C>A. VCF-style: chr2-178454320-C-A. GRCh37 (hg19) VCF-style: chr2-179319047-C-A.
Other names: c.-266-12C>A (NM_001353777.1, NM_001353778.2); c.221-12C>A (NM_001353775.2); c.317-12C>A (NM_001353776.2); c.212-12C>A (NM_001369912.1).
Identifiers: ClinVar variation 163061 (VCV000163061.12), dbSNP rs199967536, ClinGen allele CA175651.